The following is an entry in ClinVar:

NM_177438.3(DICER1):c.4206+21del

Gene: DICER1 (dicer 1, ribonuclease III; minus strand). Cytogenetic location: 14q32.13.
Variant type: Deletion.
Coding change: c.4206+21del on transcript NM_177438.3 (MANE Select); 21 bases into the intron after coding-DNA position 4206, one base deleted (G; older notation c.4206+21delG).
Molecular consequence: intron variant.
Genome position (GRCh38, 1-based): chr14:95,099,759, C deleted on the plus strand (G on the coding strand, the reverse complement: DICER1 is on the minus strand). VCF-style (leftmost placement, unchanged base first): chr14-95099758-AC-A. GRCh37 (hg19) VCF-style: chr14-95566095-AC-A.
Other names: p.?; c.4206+21del (NM_001291628.2, NM_030621.4, NM_001271282.3 and 2 more transcripts); c.4206+9_4206+21delinsGTGTGTGTGTGT (NM_177438.3).
Identifiers: ClinVar variation 1165661 (VCV001165661.16), dbSNP rs781195791, ClinGen allele CA7330905.
Genomic context (GRCh38, chr14:95,099,758, plus strand): 5'-TATTTGGCTCACCGAAAAGTAAATCCCTCCAGTTACACACACACACACACACACACACAC[AC>A]ACACACACACACAAACTTACCATTTCATCTTTTTCCCATTTATCTGTGTTGCTTTTGTCT-3'

ClinVar aggregate classification (germline): Benign/Likely benign. Review status: criteria provided, multiple submitters, no conflicts (2 of 4 stars). 3 submissions from 3 submitters: Benign (1); Likely benign (2). Last evaluated 2025-11-19.

Conditions:
DICER1-related tumor predisposition. Also called: DICER1-related pleuropulmonary blastoma cancer predisposition syndrome; DICER1 syndrome. Identifiers: Orphanet 284343, MedGen C3839822, MONDO:0100216.

Allele frequency attached by ClinVar (database versions not stated): gnomAD exomes 0.05905 and 0.08997; gnomAD 0.08611 and 0.09258; ExAC 0.09636.

Submissions (3):

Mayo Clinic Laboratories, Mayo Clinic
Classification: Likely benign. Last evaluated: 2025-11-19. Review status: criteria provided, single submitter. Criteria: ACMG Guidelines, 2015. Collection method: clinical testing. Allele origin: germline. Observed: 9 variant alleles.
Comment: BP4, BP7, PM2_supporting

Labcorp Genetics (formerly Invitae), Labcorp
Classification: Benign for DICER1-related tumor predisposition. Last evaluated: 2025-11-10. Review status: criteria provided, single submitter. Criteria: Invitae Variant Classification Sherloc (09022015). Collection method: clinical testing. Allele origin: germline.

Center for Genomic Medicine, Rigshospitalet, Copenhagen University Hospital
Classification: Likely benign. Last evaluated: 2025-03-04. Review status: criteria provided, single submitter. Criteria: ACMG Guidelines, 2015. Collection method: clinical testing. Allele origin: germline.